The following is an entry in ClinVar:

ClinVar aggregate classification (germline): Likely benign. Review status: criteria provided, multiple submitters, no conflicts (2 of 4 stars). 3 submissions from 3 submitters: Likely benign (2). 1 of the submissions does not count toward it. Last evaluated 2025-10-01.

Conditions:
Inborn genetic diseases. Identifiers: MedGen C0950123, MeSH D030342.
DDX41-related disorder. Also called: DDX41-related condition.

Allele frequency attached by ClinVar (database versions not stated): ExAC 0.00003; gnomAD 0.00003.
gnomAD v4.1: 132 of 1,613,744 alleles (0.0082%); highest among the groups gnomAD compares: Non-Finnish European, 0.011%; no homozygotes.

Submissions (3):

Labcorp Genetics (formerly Invitae), Labcorp
Classification: Likely benign. Last evaluated: 2025-10-01. Review status: criteria provided, single submitter. Criteria: Invitae Variant Classification Sherloc (09022015). Collection method: clinical testing. Allele origin: germline.

Ambry Genetics
Classification: Likely benign for Inborn genetic diseases. Last evaluated: 2024-12-09. Review status: criteria provided, single submitter. Criteria: Ambry Variant Classification Scheme 2023. Collection method: clinical testing. Allele origin: germline.

PreventionGenetics, part of Exact Sciences
Classification: Likely benign for DDX41-related condition. Last evaluated: 2020-08-19. Review status: no assertion criteria provided. Collection method: clinical testing. Allele origin: germline. Not counted in ClinVar's aggregate classification.
Comment: This variant is classified as likely benign based on ACMG/AMP sequence variant interpretation guidelines (Richards et al. 2015 PMID: 25741868, with internal and published modifications).

NM_016222.4(DDX41):c.1275C>T (p.Leu425=)

Gene: DDX41 (DEAD-box helicase 41; minus strand). Cytogenetic location: 5q35.3.
Variant type: single nucleotide variant.
Coding change: c.1275C>T on transcript NM_016222.4 (MANE Select); coding-DNA position 1275, C replaced by T.
Protein change: p.Leu425=; no amino-acid change (leucine 425 retained).
Molecular consequence: synonymous variant.
Genome position (GRCh38, 1-based): chr5:177,513,038, G>A on the plus strand (C>T on the coding strand, the complement: DDX41 is on the minus strand). VCF-style: chr5-177513038-G-A. GRCh37 (hg19) VCF-style: chr5-176940039-G-A.
Other names: c.1275C>T (NM_016222.3, NM_016222.2); c.897C>T, p.Leu299= (NM_001321732.2, NM_001321830.2).
Identifiers: ClinVar variation 1904793 (VCV001904793.8), dbSNP rs752783659, ClinGen allele CA3584824.
Genomic context (GRCh38, chr5:177,513,038, plus strand): 5'-ACTCTGGCCCCGGCCTGGCCTGGCTGCACTCACAGGCGGGGGTGTCTTCTGCAGGCACTC[G>A]AGCAGGTACACCATCTTGGCCTCCTCCTTCACATATTCTACCTCCTGCCACCACAAAGAT-3'
Protein context (NP_057306.2, residues 415-435): VKEEAKMVYL[Leu425=]ECLQKTPPPV